The following is an entry in ClinVar:

NM_015214.3(DDHD2):c.1039A>G (p.Ile347Val)

Gene: DDHD2 (DDHD domain containing 2; plus strand). Cytogenetic location: 8p11.23.
Variant type: single nucleotide variant.
Coding change: c.1039A>G on transcript NM_015214.3 (MANE Select); coding-DNA position 1039, A replaced by G.
Protein change: p.Ile347Val; replaces isoleucine 347 with valine.
Molecular consequence: missense variant. On other transcripts: non-coding transcript variant (2).
Genome position (GRCh38, 1-based): chr8:38,245,932, A>G. VCF-style: chr8-38245932-A-G. GRCh37 (hg19) VCF-style: chr8-38103450-A-G.
Other names: c.1039A>G, p.Ile347Val (NM_001164232.2, NM_001362911.2, NM_001362912.2 and 1 more transcripts); c.949A>G, p.Ile317Val (NM_001362913.2); short protein forms I347V, I317V.
Identifiers: ClinVar variation 2069726 (VCV002069726.3), dbSNP rs762342203, ClinGen allele CA4716141.

ClinVar aggregate classification (germline): Uncertain significance (1 of 4 stars; one submission).

Conditions:
Hereditary spastic paraplegia 54. Also called: Spastic paraplegia 54, autosomal recessive. Identifiers: Orphanet 320380, MedGen C3539495, MONDO:0014018, OMIM 615033.

Allele frequency attached by ClinVar (database versions not stated): gnomAD 0.00001; gnomAD exomes 0.00003; TOPMed 0.00005; ExAC 0.00010.
gnomAD v4.1: 44 of 1,613,526 alleles (0.0027%); highest among the groups gnomAD compares: Admixed American, 0.05%; no homozygotes.

Submission:

Labcorp Genetics (formerly Invitae), Labcorp
Classification: Uncertain significance for Hereditary spastic paraplegia 54. Last evaluated: 2022-04-06. Review status: criteria provided, single submitter. Criteria: Invitae Variant Classification Sherloc (09022015). Collection method: clinical testing. Allele origin: germline.
Comment: In summary, the available evidence is currently insufficient to determine the role of this variant in disease. Therefore, it has been classified as a Variant of Uncertain Significance. Algorithms developed to predict the effect of missense changes on protein structure and function (SIFT, PolyPhen-2, Align-GVGD) all suggest that this variant is likely to be tolerated. This variant has not been reported in the literature in individuals affected with DDHD2-related conditions. This variant is present in population databases (rs762342203, gnomAD 0.06%). This sequence change replaces isoleucine, which is neutral and non-polar, with valine, which is neutral and non-polar, at codon 347 of the DDHD2 protein (p.Ile347Val).